The following is an entry in ClinVar:

NM_001040716.2(PC):c.796T>G (p.Ser266Ala)

Gene: PC (pyruvate carboxylase; minus strand). Cytogenetic location: 11q13.2.
Variant type: single nucleotide variant.
Coding change: c.796T>G on transcript NM_001040716.2 (MANE Select); coding-DNA position 796, T replaced by G.
Protein change: p.Ser266Ala; replaces serine 266 with alanine.
Molecular consequence: missense variant.
Genome position (GRCh38, 1-based): chr11:66,870,409, A>C on the plus strand (T>G on the coding strand, the complement: PC is on the minus strand). VCF-style: chr11-66870409-A-C. GRCh37 (hg19) VCF-style: chr11-66637880-A-C.
Other names: c.796T>G, p.Ser266Ala (NM_000920.4, NM_022172.3); c.796T>G (NM_001040716.1); short protein forms S266A.
Identifiers: ClinVar variation 381581 (VCV000381581.9), dbSNP rs113994142, ClinGen allele CA16606005.

ClinVar aggregate classification (germline): Conflicting classifications of pathogenicity. Review status: criteria provided, conflicting classifications (1 of 4 stars). 5 submissions from 5 submitters: Likely pathogenic (3); Uncertain significance (1). 1 of the submissions does not count toward it. Last evaluated 2025-11-20.

Conditions:
Pyruvate carboxylase deficiency. Also called: Pyruvate Carboxylase Deficiency Disease; ATAXIA WITH LACTIC ACIDOSIS II; LEIGH NECROTIZING ENCEPHALOPATHY DUE TO PYRUVATE CARBOXYLASE DEFICIENCY; LEIGH SYNDROME DUE TO PYRUVATE CARBOXYLASE DEFICIENCY; PC DEFICIENCY. Identifiers: Orphanet 3008, MedGen C0034341, MONDO:0009949, OMIM 266150.

Allele frequency attached by ClinVar (database versions not stated): gnomAD exomes below 0.00001.
gnomAD v4.1: 2 of 1,613,672 alleles (0.00012%); highest among the groups gnomAD compares: Non-Finnish European, 0.000085%; no homozygotes.

Submissions (5):

GeneDx
Classification: Likely pathogenic. Last evaluated: 2025-11-20. Review status: criteria provided, single submitter. Criteria: GeneDx Variant Classification Process June 2021. Collection method: clinical testing. Allele origin: germline. Affected: yes.
Comment: Not observed at significant frequency in large population cohorts (gnomAD); In silico analysis supports that this missense variant has a deleterious effect on protein structure/function; This variant is associated with the following publications: (PMID: 18676167, 30870574, 30045381, 35782291)

Variantyx, Inc.
Classification: Likely pathogenic for Pyruvate carboxylase deficiency. Last evaluated: 2025-10-13. Review status: criteria provided, single submitter. Criteria: Variantyx Assertion Criteria 2022. Collection method: clinical testing. Allele origin: germline. Inheritance: Autosomal recessive inheritance.
Comment: This is a nonsynonymous variant in the PC gene (OMIM: 608786). Pathogenic variants in this gene have been associated with autosomal recessive pyruvate carboxylase deficiency. This variant has been identified in the homozygous or compound heterozygous state in at least one individual reported in the published literature (PMID: 18676167) (PM3). Functional studies have shown that this variant alters PC protein function (PMID: 18676167) (PS3) and multiple computational algorithms predict a deleterious effect for this variant (REVEL score: 0.954) (PP3). This variant has a 0.0003% maximum allele frequency in non-founder control populations (PM2). Based on the current evidence, this variant is classified as likely pathogenic for autosomal recessive pyruvate carboxylase deficiency.

Baylor Genetics
Classification: Likely pathogenic for Pyruvate carboxylase deficiency. Last evaluated: 2023-08-12. Review status: criteria provided, single submitter. Criteria: ACMG Guidelines, 2015. Collection method: clinical testing. Allele origin: unknown.

Women's Health and Genetics/Laboratory Corporation of America, LabCorp
Classification: Uncertain significance. Last evaluated: 2023-05-08. Review status: criteria provided, single submitter. Criteria: LabCorp Variant Classification Summary - May 2015. Collection method: clinical testing. Allele origin: germline.
Comment: Variant summary: PC c.796T>G (p.Ser266Ala) results in a conservative amino acid change located in the Carbamoyl-phosphate synthetase large subunit-like, ATP-binding domain (IPR005479) of the encoded protein sequence. Four of five in-silico tools predict a damaging effect of the variant on protein function. The variant was absent in 250800 control chromosomes. The available data on variant occurrences in the general population are insufficient to allow any conclusion about variant significance. c.796T>G has been reported in the literature as a compound heterozygous genotype with a second PC variant (c.2114C>A, p.Ser705*) of presumed somatic origin in one individual affected with Type C form of Pyruvate Carboxylase deficiency. The Type C (Benign Form) is reportedly characterized by normal or mildly delayed neurological development and episodic metabolic acidosis (Wang_2008). The authors postulated that the somatic mosaicsm could result in variable tissue distributions of the mutant genotype resulting in a milder phenotypic outcome. The overall Pyruvate Carboxylase activity in cultured skin Fibroblasts for this patient is reported as 1.9%. These report(s) do not provide unequivocal conclusions about association of the variant with Pyruvate Carboxylase Deficiency. To our knowledge, no variant specific experimental evidence demonstrating an impact on protein function has been reported. The following publications have been ascertained in the context of this evaluation (PMID: 30045381, 30870574, 35782291, 18676167). Two clinical diagnostic laboratories have submitted clinical-significance assessments for this variant to ClinVar after 2014. One laboratory classified the variant as likely pathogenic citing overlapping evidence utilized in the context of this evaluation and one laboratory classified the variant as uncertain significance. Based on the evidence outlined above, the variant was classified as uncertain significance.

Counsyl
Classification: Uncertain significance for Pyruvate carboxylase deficiency. Last evaluated: 2019-07-30. Review status: no assertion criteria provided. Collection method: clinical testing. Allele origin: unknown. Not counted in ClinVar's aggregate classification.

Literature cited by the submitters: PubMed 18676167 (cited by 3 submitters); PubMed 30045381 (cited by Women's Health and Genetics/Laboratory Corporation of America, LabCorp); PubMed 30870574 (cited by Women's Health and Genetics/Laboratory Corporation of America, LabCorp); PubMed 35782291 (cited by Women's Health and Genetics/Laboratory Corporation of America, LabCorp).